The following is an entry in ClinVar:

NM_144997.7(FLCN):c.326A>G (p.His109Arg)

Gene: FLCN (folliculin; minus strand). Cytogenetic location: 17p11.2.
Variant type: single nucleotide variant.
Coding change: c.326A>G on transcript NM_144997.7 (MANE Select); coding-DNA position 326, A replaced by G.
Protein change: p.His109Arg; replaces histidine 109 with arginine.
Molecular consequence: missense variant.
Genome position (GRCh38, 1-based): chr17:17,226,246, T>C on the plus strand (A>G on the coding strand, the complement: FLCN is on the minus strand). VCF-style: chr17-17226246-T-C. GRCh37 (hg19) VCF-style: chr17-17129560-T-C.
Other names: c.326A>G, p.His109Arg (NM_001353229.2, NM_001353230.2, NM_001353231.2 and 1 more transcripts); short protein forms H109R.
Identifiers: ClinVar variation 823356 (VCV000823356.12), dbSNP rs1597612913, ClinGen allele CA398534833.

ClinVar aggregate classification (germline): Uncertain significance. Review status: criteria provided, multiple submitters, no conflicts (2 of 4 stars). 2 submissions from 2 submitters: Uncertain significance (2). Last evaluated 2023-09-14.

Conditions:
Hereditary cancer-predisposing syndrome. Also called: Hereditary Cancer Syndrome; Neoplastic Syndromes, Hereditary; Hereditary neoplastic syndrome; Tumor predisposition. Identifiers: Orphanet 140162, MedGen C0027672, MeSH D009386, MONDO:0015356.
Birt-Hogg-Dube syndrome. Also called: Birt Hogg Dubé syndrome. Identifiers: Orphanet 122, MedGen C0346010, MONDO:0800444.

Submissions (2):

Labcorp Genetics (formerly Invitae), Labcorp
Classification: Uncertain significance for Birt-Hogg-Dube syndrome. Last evaluated: 2023-09-14. Review status: criteria provided, single submitter. Criteria: Invitae Variant Classification Sherloc (09022015). Collection method: clinical testing. Allele origin: germline.
Comment: This sequence change replaces histidine, which is basic and polar, with arginine, which is basic and polar, at codon 109 of the FLCN protein (p.His109Arg). This variant is not present in population databases (gnomAD no frequency). In summary, the available evidence is currently insufficient to determine the role of this variant in disease. Therefore, it has been classified as a Variant of Uncertain Significance. Advanced modeling of protein sequence and biophysical properties (such as structural, functional, and spatial information, amino acid conservation, physicochemical variation, residue mobility, and thermodynamic stability) performed at Invitae indicates that this missense variant is not expected to disrupt FLCN protein function. ClinVar contains an entry for this variant (Variation ID: 823356). This variant has not been reported in the literature in individuals affected with FLCN-related conditions.

Ambry Genetics
Classification: Uncertain significance for Hereditary cancer-predisposing syndrome. Last evaluated: 2019-09-04. Review status: criteria provided, single submitter. Criteria: Ambry Variant Classification Scheme 2023. Collection method: clinical testing. Allele origin: germline.
Comment: The p.H109R variant (also known as c.326A>G), located in coding exon 2 of the FLCN gene, results from an A to G substitution at nucleotide position 326. The histidine at codon 109 is replaced by arginine, an amino acid with highly similar properties. This amino acid position is highly conserved in available vertebrate species. In addition, the in silico prediction for this alteration is inconclusive. Since supporting evidence is limited at this time, the clinical significance of this alteration remains unclear.